The following is an entry in ClinVar:

NM_002815.4(PSMD11):c.1139del (p.Gln380fs)

Gene: PSMD11 (proteasome 26S subunit, non-ATPase 11; plus strand). Cytogenetic location: 17q11.2.
Variant type: Deletion.
Coding change: c.1139del on transcript NM_002815.4 (MANE Select); coding-DNA position 1139, one base deleted (A; older notation c.1139delA).
Protein change: p.Gln380fs; shifts the reading frame from glutamine 380.
Molecular consequence: frameshift variant.
Genome position (GRCh38, 1-based): chr17:32,480,501, A deleted. VCF-style (leftmost placement, unchanged base first): chr17-32480500-CA-C. GRCh37 (hg19) VCF-style: chr17-30807518-CA-C.
Other names: c.1139del, p.Gln380fs (NM_001270482.2); short protein forms Q380fs.
Identifiers: ClinVar variation 3342681 (VCV003342681.1).

ClinVar aggregate classification (germline): Uncertain significance (1 of 4 stars; one submission).

Submission:

GeneDx
Classification: Uncertain significance. Last evaluated: 2022-11-08. Review status: criteria provided, single submitter. Criteria: GeneDx Variant Classification Process June 2021. Collection method: clinical testing. Allele origin: germline. Affected: yes.
Comment: Not observed at significant frequency in large population cohorts (gnomAD); Frameshift variant predicted to result in protein truncation in a gene for which loss of function is not a well-established mechanism of disease; Has not been previously published as pathogenic or benign to our knowledge; Variants in candidate genes are classified as variants of uncertain significance in accordance with ACMG guidelines (Richards et al., 2015)